The following is an entry in ClinVar:

NM_001077365.2(POMT1):c.2060C>T (p.Ala687Val)

Gene: POMT1 (protein O-mannosyltransferase 1; plus strand). Cytogenetic location: 9q34.13.
Variant type: single nucleotide variant.
Coding change: c.2060C>T on transcript NM_001077365.2 (MANE Select); coding-DNA position 2060, C replaced by T.
Protein change: p.Ala687Val; replaces alanine 687 with valine.
Molecular consequence: missense variant. On other transcripts: non-coding transcript variant (10).
Genome position (GRCh38, 1-based): chr9:131,522,988, C>T. VCF-style: chr9-131522988-C-T. GRCh37 (hg19) VCF-style: chr9-134398375-C-T.
Other names: c.1898C>T, p.Ala633Val (NM_001077366.2, NM_001353194.2); c.2060C>T, p.Ala687Val (NM_001136113.2); c.1709C>T, p.Ala570Val (NM_001136114.2, NM_001353195.2, NM_001374691.1 and 2 more transcripts); c.2126C>T, p.Ala709Val (NM_001353193.2, NM_007171.4); c.1970C>T, p.Ala657Val (NM_001353196.2); c.1964C>T, p.Ala655Val (NM_001353197.2, NM_001353198.2); c.1775C>T, p.Ala592Val (NM_001353199.2); c.1604C>T, p.Ala535Val (NM_001353200.2); and 3 more; short protein forms A709V, A535V, A570V, A633V, A687V, A592V, A655V, A657V.
Identifiers: ClinVar variation 260147 (VCV000260147.50), dbSNP rs138171526, ClinGen allele CA5293924.

ClinVar aggregate classification (germline): Benign/Likely benign. Review status: criteria provided, multiple submitters, no conflicts (2 of 4 stars). 9 submissions from 9 submitters: Benign (5); Likely benign (4). Last evaluated 2026-02-01.

Conditions:
Autosomal recessive limb-girdle muscular dystrophy type 2K. Also called: MUSCULAR DYSTROPHY-DYSTROGLYCANOPATHY (LIMB-GIRDLE), TYPE C, 1; MUSCULAR DYSTROPHY, LIMB-GIRDLE, TYPE 2K. Identifiers: Orphanet 86812, MedGen C1836373, MONDO:0012248, OMIM 609308.
Muscular dystrophy-dystroglycanopathy (congenital with impaired intellectual development), type B, 1. Also called: Muscular dystrophy-dystroglycanopathy (congenital with intellectual disability), type B1; MUSCULAR DYSTROPHY, CONGENITAL, POMT1-RELATED. Identifiers: MedGen C5436962, MONDO:0013159, OMIM 613155.
Walker-Warburg congenital muscular dystrophy. Also called: Muscular dystrophy-dystroglycanopathy, type A; Walker-Warburg syndrome. Identifiers: Orphanet 899, MedGen C0265221, MONDO:0000171.

Allele frequency attached by ClinVar (database versions not stated): gnomAD exomes 0.00040 and 0.00095; ExAC 0.00142; 1000 Genomes Project 0.00300; gnomAD 0.00352 and 0.00378; 1000 Genomes Project 30x 0.00359; ESP Exome Variant Server 0.00369; TOPMed 0.00388.
gnomAD v4.1: 1,128 of 1,606,456 alleles (0.07%); highest among the groups gnomAD compares: African/African-American, 1.1%; 3 homozygotes.

Submissions (9):

Labcorp Genetics (formerly Invitae), Labcorp
Classification: Benign for Muscular dystrophy-dystroglycanopathy (congenital with impaired intellectual development), type B, 1; Walker-Warburg congenital muscular dystrophy; Autosomal recessive limb-girdle muscular dystrophy type 2K. Last evaluated: 2026-02-01. Review status: criteria provided, single submitter. Criteria: Invitae Variant Classification Sherloc (09022015). Collection method: clinical testing. Allele origin: germline.

Blueprint Genetics
Classification: Likely benign. Last evaluated: 2024-09-12. Review status: criteria provided, single submitter. Criteria: ACMG Guidelines, 2015. Collection method: clinical testing. Allele origin: germline.

CeGaT Center for Human Genetics Tuebingen
Classification: Likely benign. Last evaluated: 2023-04-01. Review status: criteria provided, single submitter. Criteria: CeGaT Center For Human Genetics Tuebingen Variant Classification Criteria Version 2. Collection method: clinical testing. Allele origin: germline. Affected: yes. Observed: 1 variant allele.
Comment: POMT1: BP4, BS1

GeneDx
Classification: Likely benign. Last evaluated: 2022-04-22. Review status: criteria provided, single submitter. Criteria: GeneDx Variant Classification Process June 2021. Collection method: clinical testing. Allele origin: germline. Affected: yes.
Comment: See Variant Classification Assertion Criteria.

Mayo Clinic Laboratories, Mayo Clinic
Classification: Benign. Last evaluated: 2022-03-25. Review status: criteria provided, single submitter. Criteria: ACMG Guidelines, 2015. Collection method: clinical testing. Allele origin: germline. Observed: 2 variant alleles.
Comment: BS1, BS2, BP4

Genetic Services Laboratory, University of Chicago
Classification: Benign. Last evaluated: 2019-07-23. Review status: criteria provided, single submitter. Criteria: ACMG Guidelines, 2015. Collection method: clinical testing. Allele origin: germline. Affected: no.

Illumina Laboratory Services, Illumina
Classification: Likely benign for Autosomal recessive limb-girdle muscular dystrophy type 2K. Last evaluated: 2018-01-13. Review status: criteria provided, single submitter. Criteria: ICSL Variant Classification Criteria 13 December 2019. Collection method: clinical testing. Allele origin: germline.
Comment: This variant was observed in the ICSL laboratory as part of a predisposition screen in an ostensibly healthy population. It had not been previously curated by ICSL or reported in the Human Gene Mutation Database (HGMD: prior to June 1st, 2018), and was therefore a candidate for classification through an automated scoring system. Utilizing variant allele frequency, disease prevalence and penetrance estimates, and inheritance mode, an automated score was calculated to assess if this variant is too frequent to cause the disease. Based on the score and internal cut-off values, a variant classified as likely benign is not then subjected to further curation. The score for this variant resulted in a classification of likely benign for this disease.

Athena Diagnostics
Classification: Benign. Last evaluated: 2017-12-21. Review status: criteria provided, single submitter. Criteria: Athena Diagnostics Criteria. Collection method: clinical testing. Allele origin: germline.

PreventionGenetics, part of Exact Sciences
Classification: Benign. Last evaluated: 2016-03-25. Review status: criteria provided, single submitter. Criteria: ACMG Guidelines, 2015. Collection method: clinical testing. Allele origin: germline.